The following is an entry in ClinVar:

ClinVar aggregate classification (germline): Uncertain significance. Review status: criteria provided, multiple submitters, no conflicts (2 of 4 stars). 2 submissions from 2 submitters: Uncertain significance (2). Last evaluated 2025-12-23.

Conditions:
Juvenile retinoschisis (RS1). Also called: X-linked retinoschisis; X-Linked Juvenile Retinoschisis. Identifiers: Orphanet 792, MedGen C3714753, MONDO:0010725, OMIM 312700.

Submissions (2):

3billion
Classification: Uncertain significance for Juvenile retinoschisis. Last evaluated: 2025-12-23. Review status: criteria provided, single submitter. Criteria: ACMG Guidelines, 2015. Collection method: clinical testing. Allele origin: germline. Affected: yes.
Comment: The variant is not observed in the gnomAD v4.1.0 dataset. Predicted Consequence/Location: Missense variant In silico tool predictions suggest damaging effect of the variant on gene or gene product [REVEL: 0.80 (>=0.6, sensitivity 0.68 and specificity 0.92); 3Cnet: 0.94 (> 0.75, sensitivity 0.96 and precision 0.92)]. The same nucleotide change resulting in the same amino acid change has been previously reported to be associated with RS1-related disorder (PMID: 28272453). Therefore, this variant is classified as VUS according to the recommendation of ACMG/AMP guideline.

Labcorp Genetics (formerly Invitae), Labcorp
Classification: Uncertain significance. Last evaluated: 2025-12-20. Review status: criteria provided, single submitter. Criteria: Invitae Variant Classification Sherloc (09022015). Collection method: clinical testing. Allele origin: germline.
Comment: This sequence change replaces tyrosine, which is neutral and polar, with cysteine, which is neutral and slightly polar, at codon 93 of the RS1 protein (p.Tyr93Cys). This variant is not present in population databases (gnomAD no frequency). This missense change has been observed in individual(s) with clinical features of RS1-related conditions (PMID: 28272453, 31429209). Invitae Evidence Modeling of protein sequence and biophysical properties (such as structural, functional, and spatial information, amino acid conservation, physicochemical variation, residue mobility, and thermodynamic stability) indicates that this missense variant is expected to disrupt RS1 protein function with a positive predictive value of 95%. In summary, the available evidence is currently insufficient to determine the role of this variant in disease. Therefore, it has been classified as a Variant of Uncertain Significance.

Literature cited by the submitters: PubMed 28272453 (cited by 3billion and Labcorp Genetics (formerly Invitae), Labcorp); PubMed 31429209 (cited by Labcorp Genetics (formerly Invitae), Labcorp).

NM_000330.4(RS1):c.278A>G (p.Tyr93Cys)

Genes: CDKL5 (cyclin dependent kinase like 5; plus strand), RS1 (retinoschisin 1; minus strand). Cytogenetic location: Xp22.13.
Variant type: single nucleotide variant.
Coding change: c.278A>G on transcript NM_000330.4 (MANE Select); coding-DNA position 278, A replaced by G.
Protein change: p.Tyr93Cys; replaces tyrosine 93 with cysteine.
Molecular consequence: missense variant. On other transcripts: intron variant (2).
Genome position (GRCh38, 1-based): chrX:18,647,239, T>C on the plus strand (A>G on the coding strand, the complement: RS1 is on the minus strand). VCF-style: chrX-18647239-T-C. GRCh37 (hg19) VCF-style: chrX-18665359-T-C.
Other names: c.2797+1149T>C (NM_003159.3, NM_001037343.2); short protein forms Y93C.
Identifiers: ClinVar variation 4810499 (VCV004810499.2).